The following is an entry in ClinVar:

NM_000350.3(ABCA4):c.3352C>A (p.His1118Asn)

Gene: ABCA4 (ATP binding cassette subfamily A member 4; minus strand). Cytogenetic location: 1p22.1.
Variant type: single nucleotide variant.
Coding change: c.3352C>A on transcript NM_000350.3 (MANE Select); coding-DNA position 3352, C replaced by A.
Protein change: p.His1118Asn; replaces histidine 1118 with asparagine.
Molecular consequence: missense variant.
Genome position (GRCh38, 1-based): chr1:94,041,379, G>T on the plus strand (C>A on the coding strand, the complement: ABCA4 is on the minus strand). VCF-style: chr1-94041379-G-T. GRCh37 (hg19) VCF-style: chr1-94506935-G-T.
Other names: c.3130C>A, p.His1044Asn (NM_001425324.1); short protein forms H1118N, H1044N.
Identifiers: ClinVar variation 1993341 (VCV001993341.4), dbSNP rs369440533, ClinGen allele CA341291289.

ClinVar aggregate classification (germline): Likely pathogenic (1 of 4 stars; one submission).

Submission:

Labcorp Genetics (formerly Invitae), Labcorp
Classification: Likely pathogenic. Last evaluated: 2022-05-12. Review status: criteria provided, single submitter. Criteria: Invitae Variant Classification Sherloc (09022015). Collection method: clinical testing. Allele origin: germline.
Comment: In summary, the currently available evidence indicates that the variant is pathogenic, but additional data are needed to prove that conclusively. Therefore, this variant has been classified as Likely Pathogenic. This variant disrupts the p.His1118 amino acid residue in ABCA4. Other variant(s) that disrupt this residue have been determined to be pathogenic (PMID: 26551331, 30029497; Invitae). This suggests that this residue is clinically significant, and that variants that disrupt this residue are likely to be disease-causing. Advanced modeling of protein sequence and biophysical properties (such as structural, functional, and spatial information, amino acid conservation, physicochemical variation, residue mobility, and thermodynamic stability) performed at Invitae indicates that this missense variant is expected to disrupt ABCA4 protein function. This variant has not been reported in the literature in individuals affected with ABCA4-related conditions. This variant is not present in population databases (gnomAD no frequency). This sequence change replaces histidine, which is basic and polar, with asparagine, which is neutral and polar, at codon 1118 of the ABCA4 protein (p.His1118Asn).

Literature cited by the submitters: PubMed 26551331; PubMed 30029497.